The following is an entry in ClinVar:

NM_004553.6(NDUFS6):c.26G>C (p.Arg9Pro)

Gene: NDUFS6 (NADH:ubiquinone oxidoreductase subunit S6; plus strand). Cytogenetic location: 5p15.33.
Variant type: single nucleotide variant.
Coding change: c.26G>C on transcript NM_004553.6 (MANE Select); coding-DNA position 26, G replaced by C.
Protein change: p.Arg9Pro; replaces arginine 9 with proline.
Molecular consequence: missense variant.
Genome position (GRCh38, 1-based): chr5:1,801,443, G>C. VCF-style: chr5-1801443-G-C. GRCh37 (hg19) VCF-style: chr5-1801557-G-C.
Other names: short protein forms R9P.
Identifiers: ClinVar variation 2140432 (VCV002140432.1), dbSNP rs747196556, ClinGen allele CA3187517.

ClinVar aggregate classification (germline): Uncertain significance (1 of 4 stars; one submission).

Allele frequency attached by ClinVar (database versions not stated): ExAC 0.00003.
gnomAD v4.1: 5 of 1,605,182 alleles (0.00031%); highest among the groups gnomAD compares: Admixed American, 0.0067%; no homozygotes.

Submission:

Labcorp Genetics (formerly Invitae), Labcorp
Classification: Uncertain significance. Last evaluated: 2022-07-31. Review status: criteria provided, single submitter. Criteria: Invitae Variant Classification Sherloc (09022015). Collection method: clinical testing. Allele origin: germline.
Comment: This sequence change replaces arginine, which is basic and polar, with proline, which is neutral and non-polar, at codon 9 of the NDUFS6 protein (p.Arg9Pro). This variant is present in population databases (rs747196556, gnomAD 0.01%). This variant has not been reported in the literature in individuals affected with NDUFS6-related conditions. Algorithms developed to predict the effect of missense changes on protein structure and function are either unavailable or do not agree on the potential impact of this missense change (SIFT: "Tolerated"; PolyPhen-2: "Possibly Damaging"; Align-GVGD: "Class C0"). In summary, the available evidence is currently insufficient to determine the role of this variant in disease. Therefore, it has been classified as a Variant of Uncertain Significance.